The following is an entry in ClinVar:

ClinVar aggregate classification (germline): Uncertain significance (1 of 4 stars; one submission).

Conditions:
Leigh syndrome (NULS). Also called: Leigh's necrotizing encephalopathy; Leigh's disease; Leigh Syndrome (mtDNA deletion); Leigh Disease; Subacute necrotizing encephalopathy; Necrotizing encephalopathy infantile subacute of Leigh. Identifiers: Orphanet 506, MedGen C2931891, MONDO:0009723, OMIM 256000.

Submission:

Wong Mito Lab, Molecular and Human Genetics, Baylor College of Medicine
Classification: Uncertain significance for Leigh syndrome. Last evaluated: 2019-10-17. Review status: criteria provided, single submitter. Criteria: Modified ACMG Guidelines (Unpublished). Collection method: clinical testing. Allele origin: germline.
Comment: The NC_012920.1:m.3749T>C (YP_003024026.1:p.Ile148Thr) variant in MTND1 gene is interpretated to be a Uncertain Significance variant based on the modified ACMG guidelines (unpublished). This variant meets the following evidence codes: PP7

NC_012920.1(MT-ND1):m.3749T>C

Gene: MT-ND1 (mitochondrially encoded NADH dehydrogenase 1; plus strand).
Variant type: single nucleotide variant.
Genome position: chrM-3749-T-C.
Identifiers: ClinVar variation 692396 (VCV000692396.1), dbSNP rs1603219116, ClinGen allele CA414773431.